The following is an entry in ClinVar:

NM_002691.4(POLD1):c.172C>G (p.Leu58Val)

Gene: POLD1 (DNA polymerase delta 1, catalytic subunit; plus strand). Cytogenetic location: 19q13.33.
Variant type: single nucleotide variant.
Coding change: c.172C>G on transcript NM_002691.4 (MANE Select); coding-DNA position 172, C replaced by G.
Protein change: p.Leu58Val; replaces leucine 58 with valine.
Molecular consequence: missense variant. On other transcripts: non-coding transcript variant (1).
Genome position (GRCh38, 1-based): chr19:50,399,023, C>G. VCF-style: chr19-50399023-C-G. GRCh37 (hg19) VCF-style: chr19-50902280-C-G.
Other names: c.172C>G, p.Leu58Val (NM_001256849.1, NM_001308632.1); short protein forms L58V.
Identifiers: ClinVar variation 3729015 (VCV003729015.2).

ClinVar aggregate classification (germline): Uncertain significance (1 of 4 stars; one submission).

Conditions:
POLD1-related polyposis and colorectal cancer syndrome (CRCS10). Also called: Colorectal cancer 10; COLORECTAL CANCER, SUSCEPTIBILITY TO, ON CHROMOSOME 19q; Colorectal cancer, susceptibility to, 10. Identifiers: Orphanet 220460, MedGen C2675481, MONDO:0012953, OMIM 612591.

Submission:

Labcorp Genetics (formerly Invitae), Labcorp
Classification: Uncertain significance for POLD1-related polyposis and colorectal cancer syndrome. Last evaluated: 2025-01-14. Review status: criteria provided, single submitter. Criteria: Invitae Variant Classification Sherloc (09022015). Collection method: clinical testing. Allele origin: germline.
Comment: This sequence change replaces leucine, which is neutral and non-polar, with valine, which is neutral and non-polar, at codon 58 of the POLD1 protein (p.Leu58Val). This variant is not present in population databases (gnomAD no frequency). This variant has not been reported in the literature in individuals affected with POLD1-related conditions. An algorithm developed to predict the effect of missense changes on protein structure and function (PolyPhen-2) suggests that this variant is likely to be tolerated. In summary, the available evidence is currently insufficient to determine the role of this variant in disease. Therefore, it has been classified as a Variant of Uncertain Significance.